The following is an entry in ClinVar:

NM_198253.3(TERT):c.2145C>T (p.Gly715=)

Gene: TERT (telomerase reverse transcriptase; minus strand). Cytogenetic location: 5p15.33.
Variant type: single nucleotide variant.
Coding change: c.2145C>T on transcript NM_198253.3 (MANE Select); coding-DNA position 2145, C replaced by T.
Protein change: p.Gly715=; no amino-acid change (glycine 715 retained).
Molecular consequence: synonymous variant. On other transcripts: non-coding transcript variant (1).
Genome position (GRCh38, 1-based): chr5:1,278,782, G>A on the plus strand (C>T on the coding strand, the complement: TERT is on the minus strand). VCF-style: chr5-1278782-G-A. GRCh37 (hg19) VCF-style: chr5-1278897-G-A.
Other names: c.2145C>T, p.Gly715= (NM_001193376.3).
Identifiers: ClinVar variation 844907 (VCV000844907.14), dbSNP rs769467251, ClinGen allele CA3184639.

ClinVar aggregate classification (germline): Conflicting classifications of pathogenicity. Review status: criteria provided, conflicting classifications (1 of 4 stars). 5 submissions from 5 submitters: Uncertain significance (2); Likely benign (2). 1 of the submissions does not count toward it. Last evaluated 2024-05-22.

Conditions:
Melanoma, cutaneous malignant, susceptibility to, 9. Also called: Cutaneous malignant melanoma 9. Identifiers: Orphanet 618, MedGen C3554574, MONDO:0014056, OMIM 615134.
TERT-related disorder. Also called: TERT-related disorders; TERT-related condition.
Idiopathic Pulmonary Fibrosis. Also called: Idiopathic fibrosing alveolitis, chronic form; idiopathic fibrosing alveolitis. Identifiers: Orphanet 2032, MedGen C1800706, MeSH D054990, MONDO:0800504.
Dyskeratosis congenita, autosomal dominant 2. Identifiers: MedGen C3151443, MONDO:0013521, OMIM 613989.
Dyskeratosis congenita. Identifiers: Orphanet 1775, MedGen C0265965, MONDO:0015780.

Allele frequency attached by ClinVar (database versions not stated): gnomAD exomes 0.00002; TOPMed 0.00002; gnomAD 0.00003.
gnomAD v4.1: 36 of 1,613,968 alleles (0.0022%); highest among the groups gnomAD compares: South Asian, 0.016%; no homozygotes.

Submissions (5):

Labcorp Genetics (formerly Invitae), Labcorp
Classification: Likely benign for Dyskeratosis congenita, autosomal dominant 2; Idiopathic Pulmonary Fibrosis. Last evaluated: 2024-05-22. Review status: criteria provided, single submitter. Criteria: Invitae Variant Classification Sherloc (09022015). Collection method: clinical testing. Allele origin: germline.

Ambry Genetics
Classification: Likely benign for Dyskeratosis congenita. Last evaluated: 2022-12-21. Review status: criteria provided, single submitter. Criteria: Ambry Variant Classification Scheme 2023. Collection method: clinical testing. Allele origin: germline.

Sema4
Classification: Uncertain significance for Dyskeratosis congenita. Last evaluated: 2022-02-07. Review status: criteria provided, single submitter. Criteria: Sema4 Curation Guidelines. Collection method: curation. Allele origin: germline.
Comment: The TERT c.2145C>T (p.G715=) variant has not been reported in the literature to our knowledge. It was observed in 11/282716 chromosomes across all populations in the large and broad cohorts of the Genome Aggregation Database (PMID: 32461654). This variant has been reported in ClinVar (Variation ID 844907). Algorithms developed to predict the effect of sequence changes on RNA splicing suggest that this variant may create a cryptic splice site, but this prediction has not been confirmed by published transcriptional studies. The evidence is insufficient to meet ACMG/AMP criteria for classifying the variant as benign or pathogenic. Thus, the clinical significance of this variant is currently uncertain.

MGZ Medical Genetics Center
Classification: Uncertain significance for Melanoma, cutaneous malignant, susceptibility to, 9. Last evaluated: 2021-12-17. Review status: criteria provided, single submitter. Criteria: ACMG Guidelines, 2015. Collection method: clinical testing. Allele origin: germline. Affected: yes. Observed: 1 variant allele.
Comment: ACMG criteria applied: PP3

PreventionGenetics, part of Exact Sciences
Classification: Likely benign for TERT-related condition. Last evaluated: 2024-08-02. Review status: no assertion criteria provided. Collection method: clinical testing. Allele origin: germline. Not counted in ClinVar's aggregate classification.
Comment: This variant is classified as likely benign based on ACMG/AMP sequence variant interpretation guidelines (Richards et al. 2015 PMID: 25741868, with internal and published modifications).